The following is an entry in ClinVar:

NM_007294.4(BRCA1):c.5107T>C (p.Tyr1703His)

Gene: BRCA1 (BRCA1 DNA repair associated; minus strand). Cytogenetic location: 17q21.31.
Variant type: single nucleotide variant.
Coding change: c.5107T>C on transcript NM_007294.4 (MANE Select); coding-DNA position 5107, T replaced by C.
Protein change: p.Tyr1703His; replaces tyrosine 1703 with histidine.
Molecular consequence: missense variant. On other transcripts: non-coding transcript variant (1).
Genome position (GRCh38, 1-based): chr17:43,063,919, A>G on the plus strand (T>C on the coding strand, the complement: BRCA1 is on the minus strand). VCF-style: chr17-43063919-A-G. GRCh37 (hg19) VCF-style: chr17-41215936-A-G.
Other names: c.5104T>C, p.Tyr1702His (NM_001407860.1, NM_001407610.1, NM_001407611.1 and 17 more transcripts); c.5101T>C, p.Tyr1701His (NM_001407861.1, NM_001407627.1, NM_001407628.1 and 14 more transcripts); c.4906T>C, p.Tyr1636His (NM_001407862.1); c.4900T>C, p.Tyr1634His (NM_001407874.1, NM_001407875.1); c.4894T>C, p.Tyr1632His (NM_001407896.1, NM_001407897.1, NM_001407898.1 and 12 more transcripts); c.4843T>C, p.Tyr1615His (NM_001407922.1, NM_001407923.1, NM_001407924.1 and 4 more transcripts); c.4840T>C, p.Tyr1614His (NM_001407927.1, NM_001407928.1, NM_001407929.1 and 4 more transcripts); c.4978T>C, p.Tyr1660His (NM_001407941.1, NM_001407685.1, NM_001407686.1 and 6 more transcripts); and 71 more; short protein forms Y1703H, Y1724H, Y1656H, Y599H, Y1574H, Y1590H, Y1660H, Y1662H.
Identifiers: ClinVar variation 216673 (VCV000216673.14), dbSNP rs863224763, ClinGen allele CA337043.

ClinVar aggregate classification (germline): Conflicting classifications of pathogenicity. Review status: criteria provided, conflicting classifications (1 of 4 stars). 2 submissions from 2 submitters: Likely pathogenic (1); Uncertain significance (1). Last evaluated 2024-07-01.

Conditions:
Hereditary breast ovarian cancer syndrome. Also called: Breast and ovarian cancer; Hereditary breast and ovarian cancer; Hereditary breast and ovarian cancer syndrome; Hereditary breast and/or ovarian cancer syndrome; BRCA1- and BRCA2-Associated Hereditary Breast and Ovarian Cancer; Hereditary breast and ovarian cancer syndrome (HBOC). Identifiers: Orphanet 145, MedGen C0677776, MeSH D061325, MONDO:0003582. Disease mechanism: loss of function.
Hereditary cancer-predisposing syndrome. Also called: Tumor predisposition; Hereditary Cancer Syndrome; Neoplastic Syndromes, Hereditary; Hereditary neoplastic syndrome. Identifiers: Orphanet 140162, MedGen C0027672, MeSH D009386, MONDO:0015356.

Submissions (3):

Labcorp Genetics (formerly Invitae), Labcorp
Classification: Likely pathogenic for Hereditary breast ovarian cancer syndrome. Last evaluated: 2024-07-01. Review status: criteria provided, single submitter. Criteria: Invitae Variant Classification Sherloc (09022015). Collection method: clinical testing. Allele origin: germline.
Comment: This sequence change replaces tyrosine, which is neutral and polar, with histidine, which is basic and polar, at codon 1703 of the BRCA1 protein (p.Tyr1703His). This variant is not present in population databases (gnomAD no frequency). This missense change has been observed in individual(s) with peritoneal cancer (PMID: 30093976). ClinVar contains an entry for this variant (Variation ID: 216673). Advanced modeling performed at Invitae incorporating data from internal and/or published experimental studies (PMID: 30209399) indicates that this missense variant is expected to disrupt BRCA1 function with a positive predictive value of 95%. Experimental studies have shown that this missense change affects BRCA1 function (PMID: 10811118). This variant disrupts the p.Tyr1703 amino acid residue in BRCA1. Other variant(s) that disrupt this residue have been determined to be pathogenic (PMID: 25948282; Invitae). This suggests that this residue is clinically significant, and that variants that disrupt this residue are likely to be disease-causing. In summary, the currently available evidence indicates that the variant is pathogenic, but additional data are needed to prove that conclusively. Therefore, this variant has been classified as Likely Pathogenic.

Color Diagnostics, LLC DBA Color Health
Classification: Uncertain significance for Hereditary cancer-predisposing syndrome. Last evaluated: 2024-06-28. Review status: criteria provided, single submitter. Criteria: ACMG Guidelines, 2015. Collection method: clinical testing. Allele origin: germline.
Comment: This missense variant replaces a conserved tyrosine with histidine at codon 1703 in the BRCT domain of the BRCA1 protein. Computational prediction suggests that this variant may have deleterious impact on protein structure and function. Functional studies have reported that this variant impacts BRCA1 function in a haploid cell proliferation assay and in a yeast transcription activation screen (PMID: 10811118, 30209399). This variant has been reported in one individual each affected with ovarian cancer (doi: 10.4103/CRST.CRST_101_19) and peritoneal cancer (PMID: 30093976). Other missense variants at this codon, p.Tyr1703Asp and p.Tyr1703Cys, have been reported as likely disease-causing in ClinVar (variation ID: 232915 and 252884). This variant has not been identified in the general population by the Genome Aggregation Database (gnomAD). Although there is a suspicion that this variant may be associated with disease, additional studies are necessary to determine the role of this variant in disease conclusively. Therefore, this variant is classified as a Variant of Uncertain Significance.

Brotman Baty Institute, University of Washington
No classification provided (evidence only). Condition: Breast-ovarian cancer, familial 1. Review status: no classification provided. Collection method: in vitro. Allele origin: not applicable. Functional consequence: functionally_abnormal. Not counted in ClinVar's aggregate classification.
ClinVar note: "not provided" was previously submitted as the classification for the variant. However, the classification appeared to be based only on an observation of functional data so it was converted to no classification on 2025-07-30.

Literature cited by the submitters: PubMed 30093976 (cited by Labcorp Genetics (formerly Invitae), Labcorp and Color Diagnostics, LLC DBA Color Health); PubMed 30209399 (cited by Labcorp Genetics (formerly Invitae), Labcorp and Color Diagnostics, LLC DBA Color Health); PubMed 10811118 (cited by Labcorp Genetics (formerly Invitae), Labcorp and Color Diagnostics, LLC DBA Color Health); PubMed 25948282 (cited by Labcorp Genetics (formerly Invitae), Labcorp).